The following is an entry in ClinVar:

ClinVar aggregate classification (germline): Likely benign (1 of 4 stars; one submission).

Conditions:
Familial colorectal cancer type X. Identifiers: Orphanet 440437, MedGen C3896578, MONDO:0018604.

gnomAD v4.1: 1 of 1,441,616 alleles (0.000069%); highest among the groups gnomAD compares: Non-Finnish European, 0.000096%; no homozygotes.

Submission:

Myriad Genetics, Inc.
Classification: Likely benign for Familial colorectal cancer type X. Last evaluated: 2026-08-03. Review status: criteria provided, single submitter. Criteria: Myriad Autosomal Dominant, Autosomal Recessive and X-Linked Classification Criteria (2023). Collection method: clinical testing. Allele origin: unknown.
Comment: This variant is considered likely benign. This variant is intronic and is not expected to impact mRNA splicing.

NM_001146227.3(RPS20):c.334-4A>G

Gene: RPS20 (ribosomal protein S20; minus strand). Cytogenetic location: 8q12.1.
Variant type: single nucleotide variant.
Coding change: c.334-4A>G on transcript NM_001146227.3; 4 bases into the intron before coding-DNA position 334, A replaced by G.
Molecular consequence: intron variant.
Genome position (GRCh38, 1-based): chr8:56,069,837, T>C on the plus strand (A>G on the coding strand, the complement: RPS20 is on the minus strand). VCF-style: chr8-56069837-T-C. GRCh37 (hg19) VCF-style: chr8-56982396-T-C.
Identifiers: ClinVar variation 5042123 (VCV005042123.1).
Genomic context (GRCh38, chr8:56,069,837, plus strand): 5'-CAAAGTGTACTGCTGGCCCTCTGTATCCATGGGTTCTGCATCTGTAGATTCGATCAACTG[T>C]AGATCAAAAGTATTCAGAAAAAAAATTGTCTCTACTGCACATGTATAGACATTCTTTTTC-3'